The following is an entry in ClinVar:

NM_001378454.1(ALMS1):c.10709A>G (p.Tyr3570Cys)

Gene: ALMS1 (ALMS1 centrosome and basal body associated protein; plus strand). Cytogenetic location: 2p13.1.
Variant type: single nucleotide variant.
Coding change: c.10709A>G on transcript NM_001378454.1 (MANE Select); coding-DNA position 10709, A replaced by G.
Protein change: p.Tyr3570Cys; replaces tyrosine 3570 with cysteine.
Molecular consequence: missense variant.
Genome position (GRCh38, 1-based): chr2:73,572,586, A>G. VCF-style: chr2-73572586-A-G. GRCh37 (hg19) VCF-style: chr2-73799713-A-G.
Other names: c.10712A>G, p.Tyr3571Cys (NM_015120.4); short protein forms Y3570C, Y3571C.
Identifiers: ClinVar variation 1310893 (VCV001310893.4), dbSNP rs2104104820, ClinGen allele CA347285019.

ClinVar aggregate classification (germline): Uncertain significance. Review status: criteria provided, multiple submitters, no conflicts (2 of 4 stars). 3 submissions from 3 submitters: Uncertain significance (3). Last evaluated 2022-03-04.

Conditions:
Alstrom syndrome (ALMS). Identifiers: Orphanet 64, MedGen C0268425, MONDO:0008763, OMIM 203800.

Allele frequency attached by ClinVar (database versions not stated): gnomAD exomes below 0.00001.
gnomAD v4.1: 7 of 1,613,944 alleles (0.00043%); highest among the groups gnomAD compares: South Asian, 0.0011%; no homozygotes.

Submissions (3):

Fulgent Genetics
Classification: Uncertain significance for Alstrom syndrome. Last evaluated: 2022-03-04. Review status: criteria provided, single submitter. Criteria: ACMG Guidelines, 2015. Collection method: clinical testing. Allele origin: unknown.

Labcorp Genetics (formerly Invitae), Labcorp
Classification: Uncertain significance for Alstrom syndrome. Last evaluated: 2021-11-23. Review status: criteria provided, single submitter. Criteria: Invitae Variant Classification Sherloc (09022015). Collection method: clinical testing. Allele origin: germline.
Comment: This sequence change replaces tyrosine with cysteine at codon 3571 of the ALMS1 protein (p.Tyr3571Cys). The tyrosine residue is weakly conserved and there is a large physicochemical difference between tyrosine and cysteine. This variant is not present in population databases (gnomAD no frequency). This variant has not been reported in the literature in individuals affected with ALMS1-related conditions. ClinVar contains an entry for this variant (Variation ID: 1310893). In summary, the available evidence is currently insufficient to determine the role of this variant in disease. Therefore, it has been classified as a Variant of Uncertain Significance.

GeneDx
Classification: Uncertain significance. Last evaluated: 2019-12-09. Review status: criteria provided, single submitter. Criteria: GeneDx Variant Classification Process June 2021. Collection method: clinical testing. Allele origin: germline. Affected: yes.
Comment: Not observed in large population cohorts (Lek et al., 2016); In silico analysis, which includes protein predictors and evolutionary conservation, supports a deleterious effect; Has not been previously published as pathogenic or benign to our knowledge